The following is an entry in ClinVar:

NM_053025.4(MYLK):c.3132C>T (p.Ala1044=)

Gene: MYLK (myosin light chain kinase; minus strand). Cytogenetic location: 3q21.1.
Variant type: single nucleotide variant.
Coding change: c.3132C>T on transcript NM_053025.4 (MANE Select); coding-DNA position 3132, C replaced by T.
Protein change: p.Ala1044=; no amino-acid change (alanine 1044 retained).
Molecular consequence: synonymous variant.
Genome position (GRCh38, 1-based): chr3:123,700,336, G>A on the plus strand (C>T on the coding strand, the complement: MYLK is on the minus strand). VCF-style: chr3-123700336-G-A. GRCh37 (hg19) VCF-style: chr3-123419183-G-A.
Other names: c.2604C>T, p.Ala868= (NM_001321309.2); c.2925C>T, p.Ala975= (NM_053026.4, NM_053028.4); c.3132C>T, p.Ala1044= (NM_053027.4).
Identifiers: ClinVar variation 696590 (VCV000696590.19), dbSNP rs58176285, ClinGen allele CA2577965.

ClinVar aggregate classification (germline): Benign/Likely benign. Review status: criteria provided, multiple submitters, no conflicts (2 of 4 stars). 7 submissions from 7 submitters: Benign (1); Likely benign (5). 1 of the submissions does not count toward it. Last evaluated 2025-11-20.

Conditions:
Aortic aneurysm, familial thoracic 7 (AAT7). Also called: AORTIC DISSECTION, FAMILIAL, WITH OR WITHOUT AORTIC ANEURYSM. Identifiers: MedGen C3151077, MONDO:0013418, OMIM 613780.
MYLK-related disorder. Also called: MYLK-related condition.
Familial thoracic aortic aneurysm and aortic dissection (TAAD). Also called: Thoracic aortic aneurysms and dissections. Identifiers: Orphanet 91387, MedGen C4707243, MONDO:0019625.

Allele frequency attached by ClinVar (database versions not stated): gnomAD exomes 0.00005; gnomAD 0.00007 and 0.00009; ESP Exome Variant Server 0.00008; 1000 Genomes Project 30x 0.00016; 1000 Genomes Project 0.00020.
gnomAD v4.1: 51 of 1,613,518 alleles (0.0032%); highest among the groups gnomAD compares: African/African-American, 0.021%; no homozygotes.

Submissions (7):

Labcorp Genetics (formerly Invitae), Labcorp
Classification: Likely benign for Aortic aneurysm, familial thoracic 7. Last evaluated: 2025-11-20. Review status: criteria provided, single submitter. Criteria: Invitae Variant Classification Sherloc (09022015). Collection method: clinical testing. Allele origin: germline.

Women's Health and Genetics/Laboratory Corporation of America, LabCorp
Classification: Benign. Last evaluated: 2024-07-14. Review status: criteria provided, single submitter. Criteria: LabCorp Variant Classification Summary - May 2015. Collection method: clinical testing. Allele origin: germline.

GeneDx
Classification: Likely benign. Last evaluated: 2021-01-05. Review status: criteria provided, single submitter. Criteria: GeneDx Variant Classification Process June 2021. Collection method: clinical testing. Allele origin: germline. Affected: yes.

Ambry Genetics
Classification: Likely benign for Familial thoracic aortic aneurysm and aortic dissection. Last evaluated: 2019-12-05. Review status: criteria provided, single submitter. Criteria: Ambry Variant Classification Scheme 2023. Collection method: clinical testing. Allele origin: germline.

CHEO Genetics Diagnostic Laboratory, Children's Hospital of Eastern Ontario
Classification: Likely benign for Familial thoracic aortic aneurysm and aortic dissection. Last evaluated: 2018-03-22. Review status: criteria provided, single submitter. Criteria: ACMG Guidelines, 2015. Collection method: clinical testing. Allele origin: germline.

Breakthrough Genomics
Classification: Likely benign. Review status: criteria provided, single submitter. Criteria: ACMG Guidelines, 2015. Collection method: not provided. Allele origin: germline. Inheritance: Autosomal recessive inheritance. Affected: yes.

PreventionGenetics, part of Exact Sciences
Classification: Likely benign for MYLK-related condition. Last evaluated: 2022-12-27. Review status: no assertion criteria provided. Collection method: clinical testing. Allele origin: germline. Not counted in ClinVar's aggregate classification.
Comment: This variant is classified as likely benign based on ACMG/AMP sequence variant interpretation guidelines (Richards et al. 2015 PMID: 25741868, with internal and published modifications).